The following is an entry in ClinVar:

NM_002291.3(LAMB1):c.131T>A (p.Ile44Asn)

Gene: LAMB1 (laminin subunit beta 1; minus strand). Cytogenetic location: 7q31.1.
Variant type: single nucleotide variant.
Coding change: c.131T>A on transcript NM_002291.3 (MANE Select); coding-DNA position 131, T replaced by A.
Protein change: p.Ile44Asn; replaces isoleucine 44 with asparagine.
Molecular consequence: missense variant.
Genome position (GRCh38, 1-based): chr7:108,001,640, A>T on the plus strand (T>A on the coding strand, the complement: LAMB1 is on the minus strand). VCF-style: chr7-108001640-A-T. GRCh37 (hg19) VCF-style: chr7-107642085-A-T.
Other names: short protein forms I44N.
Identifiers: ClinVar variation 4766366 (VCV004766366.1).

ClinVar aggregate classification (germline): Uncertain significance (1 of 4 stars; one submission).

gnomAD v4.1: 1 of 1,613,192 alleles (0.000062%); highest among the groups gnomAD compares: Non-Finnish European, 0.000085%; no homozygotes.

Submission:

Labcorp Genetics (formerly Invitae), Labcorp
Classification: Uncertain significance. Last evaluated: 2025-07-28. Review status: criteria provided, single submitter. Criteria: Invitae Variant Classification Sherloc (09022015). Collection method: clinical testing. Allele origin: germline.
Comment: This sequence change replaces isoleucine, which is neutral and non-polar, with asparagine, which is neutral and polar, at codon 44 of the LAMB1 protein (p.Ile44Asn). This variant is not present in population databases (gnomAD no frequency). This variant has not been reported in the literature in individuals affected with LAMB1-related conditions. An algorithm developed to predict the effect of missense changes on protein structure and function (PolyPhen-2) suggests that this variant is likely to be disruptive. In summary, the available evidence is currently insufficient to determine the role of this variant in disease. Therefore, it has been classified as a Variant of Uncertain Significance.